The following is an entry in ClinVar:

NM_001032386.2(SUOX):c.256_257del (p.Tyr85_Thr86insTer)

Gene: SUOX (sulfite oxidase; plus strand). Cytogenetic location: 12q13.2.
Variant type: Microsatellite.
Coding change: c.256_257del on transcript NM_001032386.2 (MANE Select); coding-DNA positions 256 to 257, 2 bases deleted (AC; older notation c.256_257delAC).
Protein change: p.Tyr85_Thr86insTer.
Molecular consequence: nonsense.
Genome position (GRCh38, 1-based): chr12:56,003,645-56,003,646, AC deleted; deleting any 2 consecutive bases within chr12:56,003,643-56,003,646 gives the same sequence; the c. name uses the placement nearest the transcript's 3' end. VCF-style (leftmost placement, unchanged base first): chr12-56003642-TAC-T. GRCh37 (hg19) VCF-style: chr12-56397426-TAC-T.
Other names: c.256_257del, p.Tyr85_Thr86insTer (NM_000456.3, NM_001032387.2).
Identifiers: ClinVar variation 3648619 (VCV003648619.2).

ClinVar aggregate classification (germline): Pathogenic (1 of 4 stars; one submission).

Conditions:
Sulfite oxidase deficiency. Also called: Isolated sulfite oxidase deficiency. Identifiers: Orphanet 833, Orphanet 99731, MedGen C0268624, MONDO:0010089, OMIM 272300, HP:0003643.

Submission:

Labcorp Genetics (formerly Invitae), Labcorp
Classification: Pathogenic for Sulfite oxidase deficiency. Last evaluated: 2024-04-03. Review status: criteria provided, single submitter. Criteria: Invitae Variant Classification Sherloc (09022015). Collection method: clinical testing. Allele origin: germline.
Comment: This sequence change creates a premature translational stop signal (p.Thr86*) in the SUOX gene. While this is not anticipated to result in nonsense mediated decay, it is expected to disrupt the last 460 amino acid(s) of the SUOX protein. This variant is not present in population databases (gnomAD no frequency). This variant has not been reported in the literature in individuals affected with SUOX-related conditions. This variant disrupts a region of the SUOX protein in which other variant(s) (p.Arg529*) have been determined to be pathogenic (PMID: 17940249, 28980090). This suggests that this is a clinically significant region of the protein, and that variants that disrupt it are likely to be disease-causing. For these reasons, this variant has been classified as Pathogenic.

Literature cited by the submitters: PubMed 17940249; PubMed 28980090.